The following is an entry in ClinVar:

NM_030665.4(RAI1):c.4541G>C (p.Arg1514Thr)

Gene: RAI1 (retinoic acid induced 1; plus strand). Cytogenetic location: 17p11.2.
Variant type: single nucleotide variant.
Coding change: c.4541G>C on transcript NM_030665.4 (MANE Select); coding-DNA position 4541, G replaced by C.
Protein change: p.Arg1514Thr; replaces arginine 1514 with threonine.
Molecular consequence: missense variant.
Genome position (GRCh38, 1-based): chr17:17,797,489, G>C. VCF-style: chr17-17797489-G-C. GRCh37 (hg19) VCF-style: chr17-17700803-G-C.
Other names: short protein forms R1514T.
Identifiers: ClinVar variation 3347249 (VCV003347249.1).

ClinVar aggregate classification (germline): Uncertain significance (0 of 4 stars; one submission).

Conditions:
RAI1-related disorder. Also called: RAI1-related condition.

Submission:

PreventionGenetics, part of Exact Sciences
Classification: Uncertain significance for RAI1-related condition. Last evaluated: 2024-08-24. Review status: no assertion criteria provided. Collection method: clinical testing. Allele origin: germline.
Comment: The RAI1 c.4541G>C variant is predicted to result in the amino acid substitution p.Arg1514Thr. To our knowledge, this variant has not been reported in the literature or in a large population database, indicating this variant is rare. At this time, the clinical significance of this variant is uncertain due to the absence of conclusive functional and genetic evidence.